The following is an entry in ClinVar:

ClinVar aggregate classification (germline): Pathogenic/Likely pathogenic. Review status: criteria provided, multiple submitters, no conflicts (2 of 4 stars). 2 submissions from 2 submitters: Pathogenic (1); Likely pathogenic (1). Last evaluated 2023-11-20.

Conditions:
Werner syndrome (WRN). Identifiers: Orphanet 902, MedGen C0043119, MONDO:0010196, OMIM 277700.

Submissions (2):

Labcorp Genetics (formerly Invitae), Labcorp
Classification: Pathogenic for Werner syndrome. Last evaluated: 2023-11-20. Review status: criteria provided, single submitter. Criteria: Invitae Variant Classification Sherloc (09022015). Collection method: clinical testing. Allele origin: germline.
Comment: This sequence change creates a premature translational stop signal (p.Val1325Serfs*5) in the WRN gene. It is expected to result in an absent or disrupted protein product. Loss-of-function variants in WRN are known to be pathogenic (PMID: 16673358). This variant is present in population databases (no rsID available, gnomAD 0.007%). This variant has not been reported in the literature in individuals affected with WRN-related conditions. For these reasons, this variant has been classified as Pathogenic.

Baylor Genetics
Classification: Likely pathogenic for Werner syndrome. Last evaluated: 2023-06-13. Review status: criteria provided, single submitter. Criteria: ACMG Guidelines, 2015. Collection method: clinical testing. Allele origin: unknown.

Literature cited by the submitters: PubMed 16673358 (cited by Labcorp Genetics (formerly Invitae), Labcorp).

NM_000553.6(WRN):c.3972del (p.Val1325fs)

Gene: WRN (WRN RecQ like helicase; plus strand). Cytogenetic location: 8p12.
Variant type: Deletion.
Coding change: c.3972del on transcript NM_000553.6 (MANE Select); coding-DNA position 3972, one base deleted (C; older notation c.3972delC).
Protein change: p.Val1325fs; shifts the reading frame from valine 1325.
Molecular consequence: frameshift variant.
Genome position (GRCh38, 1-based): chr8:31,157,520, C deleted; the last of 3 consecutive C bases (chr8:31,157,518-31,157,520); deleting any one gives the same sequence. VCF-style (leftmost placement, unchanged base first): chr8-31157517-TC-T. GRCh37 (hg19) VCF-style: chr8-31015033-TC-T.
Other names: short protein forms V1325fs.
Identifiers: ClinVar variation 2679602 (VCV002679602.4), dbSNP rs1377977559, ClinGen allele CA581428637.
Genomic context (GRCh38, chr8:31,157,517, plus strand): 5'-GGAGCGAGCAGGCCTGACTCCAGAGGTTCAGAAGATTATTGCTGATGTTATCCGAAACCC[TC>T]CCGTCAACTCAGGTGAGAGGCATGGCCTAGCTCTGCACCCTTAATGACTTGATGAAGTAA-3'